The following is an entry in ClinVar:

NM_004380.3(CREBBP):c.383C>T (p.Ser128Phe)

Gene: CREBBP (CREB binding lysine acetyltransferase; minus strand). Cytogenetic location: 16p13.3.
Variant type: single nucleotide variant.
Coding change: c.383C>T on transcript NM_004380.3 (MANE Select); coding-DNA position 383, C replaced by T.
Protein change: p.Ser128Phe; replaces serine 128 with phenylalanine.
Molecular consequence: missense variant.
Genome position (GRCh38, 1-based): chr16:3,850,712, G>A on the plus strand (C>T on the coding strand, the complement: CREBBP is on the minus strand). VCF-style: chr16-3850712-G-A. GRCh37 (hg19) VCF-style: chr16-3900713-G-A.
Other names: c.383C>T, p.Ser128Phe (NM_001079846.1); short protein forms S128F.
Identifiers: ClinVar variation 3357527 (VCV003357527.2).

ClinVar aggregate classification (germline): Uncertain significance (1 of 4 stars; one submission).

Conditions:
CREBBP-related disorder. Also called: CREBBP-related disorders; CREBBP-related condition.

gnomAD v4.1: 8 of 1,614,132 alleles (0.0005%); highest among the groups gnomAD compares: Non-Finnish European, 0.00068%; no homozygotes.

Submission:

PreventionGenetics, part of Exact Sciences
Classification: Uncertain significance for CREBBP-related condition. Last evaluated: 2025-03-07. Review status: criteria provided, single submitter. Criteria: ACMG Guidelines, 2015. Collection method: clinical testing. Allele origin: germline.
Comment: The CREBBP c.383C>T variant is predicted to result in the amino acid substitution p.Ser128Phe. To our knowledge, this variant has not been reported in the literature or in a large population database (gnomAD), indicating this variant is rare. A different substitution at this amino acid position (p.Ser128Cys) has been reported in a patient with nonsyndromic cleft palate (designated 16:3900713G>C, Hoebel et al. 2017. PubMed ID: 28767323), although this variant is also listed in the gnomAD population database in 208 alleles including 2 homozygotes. At this time, the clinical significance of this variant is uncertain due to the absence of conclusive functional and genetic evidence.